The following is an entry in ClinVar:

ClinVar aggregate classification (germline): Uncertain significance (1 of 4 stars; one submission).

Conditions:
Cholestasis, progressive familial intrahepatic, 10 (PFIC10). Identifiers: MedGen C5676981, MONDO:0030810, OMIM 619868.

Submission:

3billion
Classification: Uncertain significance for Cholestasis, progressive familial intrahepatic, 10. Last evaluated: 2024-03-11. Review status: criteria provided, single submitter. Criteria: ACMG Guidelines, 2015. Collection method: clinical testing. Allele origin: germline. Affected: yes.
Comment: The variant is not observed in the gnomAD v2.1.1 dataset. Predicted Consequence/Location: Missense variant In silico tool predictions suggest damaging effect of the variant on gene or gene product [REVEL: 0.97 (>=0.6, sensitivity 0.68 and specificity 0.92); 3Cnet: 0.60 (>=0.6, sensitivity 0.72 and precision 0.9)]. Therefore, this variant is classified as VUS according to the recommendation of ACMG/AMP guideline.

NM_001080467.3(MYO5B):c.632C>T (p.Thr211Ile)

Gene: MYO5B (myosin VB; minus strand). Cytogenetic location: 18q21.1.
Variant type: single nucleotide variant.
Coding change: c.632C>T on transcript NM_001080467.3 (MANE Select); coding-DNA position 632, C replaced by T.
Protein change: p.Thr211Ile; replaces threonine 211 with isoleucine.
Molecular consequence: missense variant.
Genome position (GRCh38, 1-based): chr18:49,992,412, G>A on the plus strand (C>T on the coding strand, the complement: MYO5B is on the minus strand). VCF-style: chr18-49992412-G-A. GRCh37 (hg19) VCF-style: chr18-47518782-G-A.
Other names: short protein forms T211I.
Identifiers: ClinVar variation 3775332 (VCV003775332.1).
Genomic context (GRCh38, chr18:49,992,412, plus strand): 5'-CTTTTGTCAAAGCCAATCTGGATGTACTTGCCAAAACGGCTGCTGTTGTCATTGCGGGTG[G>A]TCTTGGCATTTCCAATGGCCTGCACAGACCAGACAGACAAAGGTATGAAAAAAAAAGAGG-3'
Protein context (NP_001073936.1, residues 201-221): PIMEAIGNAK[Thr211Ile]TRNDNSSRFG